The following is an entry in ClinVar:

NM_001009944.3(PKD1):c.12679G>C (p.Asp4227His)

Gene: PKD1 (polycystin 1, transient receptor potential channel interacting; minus strand). Cytogenetic location: 16p13.3.
Variant type: single nucleotide variant.
Coding change: c.12679G>C on transcript NM_001009944.3 (MANE Select); coding-DNA position 12679, G replaced by C.
Protein change: p.Asp4227His; replaces aspartic acid 4227 with histidine.
Molecular consequence: missense variant.
Genome position (GRCh38, 1-based): chr16:2,089,960, C>G on the plus strand (G>C on the coding strand, the complement: PKD1 is on the minus strand). VCF-style: chr16-2089960-C-G. GRCh37 (hg19) VCF-style: chr16-2139961-C-G.
Other names: c.12676G>C, p.Asp4226His (NM_000296.4); short protein forms D4226H, D4227H.
Identifiers: ClinVar variation 1802068 (VCV001802068.3), dbSNP rs2544576994, ClinGen allele CA394320960.

ClinVar aggregate classification (germline): Uncertain significance. Review status: criteria provided, multiple submitters, no conflicts (2 of 4 stars). 3 submissions from 3 submitters: Uncertain significance (3). Last evaluated 2026-08-24.

Conditions:
PKD1-related disorder. Also called: PKD1-related condition.

Submissions (3):

PreventionGenetics, part of Exact Sciences
Classification: Uncertain significance for PKD1-related condition. Last evaluated: 2026-08-24. Review status: criteria provided, single submitter. Criteria: ACMG Guidelines, 2015. Collection method: clinical testing. Allele origin: germline.
Comment: The PKD1 c.12679G>C variant is predicted to result in the amino acid substitution p.Asp4227His. To our knowledge, this variant has not been reported in the literature or in a large population database (gnomAD), indicating this variant is rare. At this time, the clinical significance of this variant is uncertain due to the absence of conclusive functional and genetic evidence.

Blueprint Genetics
Classification: Uncertain significance. Last evaluated: 2023-08-01. Review status: criteria provided, single submitter. Criteria: ACMG Guidelines, 2015. Collection method: clinical testing. Allele origin: germline.

GeneDx
Classification: Uncertain significance. Last evaluated: 2022-06-03. Review status: criteria provided, single submitter. Criteria: GeneDx Variant Classification Process June 2021. Collection method: clinical testing. Allele origin: germline. Affected: yes.
Comment: Not observed at significant frequency in large population cohorts (gnomAD); In silico analysis supports that this missense variant has a deleterious effect on protein structure/function; Has not been previously published as pathogenic or benign to our knowledge